The following is an entry in ClinVar:

NM_001848.3(COL6A1):c.1657G>A (p.Gly553Arg)

Gene: COL6A1 (collagen type VI alpha 1 chain; plus strand). Cytogenetic location: 21q22.3.
Variant type: single nucleotide variant.
Coding change: c.1657G>A on transcript NM_001848.3 (MANE Select); coding-DNA position 1657, G replaced by A.
Protein change: p.Gly553Arg; replaces glycine 553 with arginine.
Molecular consequence: missense variant.
Genome position (GRCh38, 1-based): chr21:45,998,942, G>A. VCF-style: chr21-45998942-G-A. GRCh37 (hg19) VCF-style: chr21-47418856-G-A.
Other names: short protein forms G553R.
Identifiers: ClinVar variation 971273 (VCV000971273.12), dbSNP rs2077822326, ClinGen allele CA410530611.

ClinVar aggregate classification (germline): Conflicting classifications of pathogenicity. Review status: criteria provided, conflicting classifications (1 of 4 stars). 2 submissions from 2 submitters: Likely pathogenic (1); Uncertain significance (1). Last evaluated 2024-10-07.

Conditions:
Bethlem myopathy 1A. Also called: Bethlem Muscular Dystrophy; Bethlem myopathy 1; MYOPATHY, BENIGN CONGENITAL, WITH CONTRACTURES. Identifiers: Orphanet 610, MedGen CN029274, MONDO:0024530, OMIM 158810.

Allele frequency attached by ClinVar (database versions not stated): gnomAD exomes below 0.00001.
gnomAD v4.1: 4 of 1,554,994 alleles (0.00026%); highest among the groups gnomAD compares: Non-Finnish European, 0.00026%; no homozygotes.

Submissions (2):

Labcorp Genetics (formerly Invitae), Labcorp
Classification: Likely pathogenic for Bethlem myopathy 1A. Last evaluated: 2024-10-07. Review status: criteria provided, single submitter. Criteria: Invitae Variant Classification Sherloc (09022015). Collection method: clinical testing. Allele origin: germline.
Comment: This sequence change replaces glycine, which is neutral and non-polar, with arginine, which is basic and polar, at codon 553 of the COL6A1 protein (p.Gly553Arg). This variant is not present in population databases (gnomAD no frequency). This missense change has been observed in individual(s) with autosomal dominant Bethlem myopathy (PMID: 30706156). It has also been observed to segregate with disease in related individuals. ClinVar contains an entry for this variant (Variation ID: 971273). Invitae Evidence Modeling of protein sequence and biophysical properties (such as structural, functional, and spatial information, amino acid conservation, physicochemical variation, residue mobility, and thermodynamic stability) indicates that this missense variant is expected to disrupt COL6A1 protein function with a positive predictive value of 95%. This variant disrupts the triple helix domain of COL6A1. Glycine residues within the Gly-Xaa-Yaa repeats of the triple helix domain are required for the structure and stability of fibrillar collagens (PMID: 7695699, 8218237, 19344236). In COL6A1, variants at these glycine residues are significantly enriched in individuals with autosomal dominant disease (PMID: 15689448, 24038877) compared to the general population (ExAC). In summary, the currently available evidence indicates that the variant is pathogenic, but additional data are needed to prove that conclusively. Therefore, this variant has been classified as Likely Pathogenic.

Suma Genomics
Classification: Uncertain significance. Review status: criteria provided, single submitter. Criteria: ACMG Guidelines, 2015. Collection method: clinical testing. Allele origin: germline. Inheritance: Autosomal recessive inheritance. Affected: yes.

Literature cited by the submitters: PubMed 30706156 (cited by Labcorp Genetics (formerly Invitae), Labcorp); PubMed 7695699 (cited by Labcorp Genetics (formerly Invitae), Labcorp); PubMed 8218237 (cited by Labcorp Genetics (formerly Invitae), Labcorp); PubMed 19344236 (cited by Labcorp Genetics (formerly Invitae), Labcorp); PubMed 15689448 (cited by Labcorp Genetics (formerly Invitae), Labcorp); PubMed 24038877 (cited by Labcorp Genetics (formerly Invitae), Labcorp).